The following is an entry in ClinVar:

ClinVar aggregate classification (germline): Uncertain significance. Review status: criteria provided, multiple submitters, no conflicts (2 of 4 stars). 2 submissions from 2 submitters: Uncertain significance (2). Last evaluated 2025-11-26.

Conditions:
Dilated cardiomyopathy 1G (CMD1G). Identifiers: Orphanet 154, MedGen C1858763, MONDO:0011400, OMIM 604145.
Autosomal recessive limb-girdle muscular dystrophy type 2J (LGMDR10). Also called: Limb-girdle muscular dystrophy, type 2J; MUSCULAR DYSTROPHY, LIMB-GIRDLE, AUTOSOMAL RECESSIVE 10. Identifiers: Orphanet 140922, MedGen C1837342, MONDO:0012127, OMIM 608807.

Submissions (2):

GeneDx
Classification: Uncertain significance. Last evaluated: 2025-11-26. Review status: criteria provided, single submitter. Criteria: GeneDx Variant Classification Process June 2021. Collection method: clinical testing. Allele origin: germline.
Comment: Not observed at significant frequency in large population cohorts (gnomAD); Missense variant in a gene in which most reported pathogenic variants are truncating/loss of function; Has not been previously published as pathogenic or benign to our knowledge

Labcorp Genetics (formerly Invitae), Labcorp
Classification: Uncertain significance for Dilated cardiomyopathy 1G; Autosomal recessive limb-girdle muscular dystrophy type 2J. Last evaluated: 2024-01-15. Review status: criteria provided, single submitter. Criteria: Invitae Variant Classification Sherloc (09022015). Collection method: clinical testing. Allele origin: germline.
Comment: This sequence change replaces leucine, which is neutral and non-polar, with proline, which is neutral and non-polar, at codon 34451 of the TTN protein (p.Leu34451Pro). This variant is not present in population databases (gnomAD no frequency). This variant has not been reported in the literature in individuals affected with TTN-related conditions. ClinVar contains an entry for this variant (Variation ID: 1474731). Experimental studies and prediction algorithms are not available or were not evaluated, and the functional significance of this variant is currently unknown. This variant is located in the M band of TTN (PMID: 25589632). Non-truncating variants in this region may be relevant for neuromuscular disorders, but have not been definitively shown to cause cardiomyopathy (PMID: 23975875). In summary, the available evidence is currently insufficient to determine the role of this variant in disease. Therefore, it has been classified as a Variant of Uncertain Significance.

Literature cited by the submitters: PubMed 25589632 (cited by Labcorp Genetics (formerly Invitae), Labcorp); PubMed 23975875 (cited by Labcorp Genetics (formerly Invitae), Labcorp).

NM_001267550.2(TTN):c.103352T>C (p.Leu34451Pro)

Genes: TTN (titin; minus strand), TTN-AS1 (TTN antisense RNA 1; plus strand). Cytogenetic location: 2q31.2.
Variant type: single nucleotide variant.
Coding change: c.103352T>C on transcript NM_001267550.2 (MANE Select); coding-DNA position 103352, T replaced by C.
Protein change: p.Leu34451Pro; replaces leucine 34451 with proline.
Molecular consequence: missense variant.
Genome position (GRCh38, 1-based): chr2:178,533,263, A>G on the plus strand (T>C on the coding strand, the complement: TTN is on the minus strand). VCF-style: chr2-178533263-A-G. GRCh37 (hg19) VCF-style: chr2-179397990-A-G.
Other names: c.103352T>C (NM_001267550.1); c.98429T>C, p.Leu32810Pro (NM_001256850.1); c.76157T>C, p.Leu25386Pro (NM_003319.4); c.95648T>C, p.Leu31883Pro (NM_133378.4); c.76532T>C, p.Leu25511Pro (NM_133432.3); c.76733T>C, p.Leu25578Pro (NM_133437.4); short protein forms L25386P, L32810P, L25511P, L25578P, L31883P, L34451P.
Identifiers: ClinVar variation 1474731 (VCV001474731.8), dbSNP rs2154135007, ClinGen allele CA349414465.